The following is an entry in ClinVar:

ClinVar aggregate classification (germline): Uncertain significance. Review status: criteria provided, multiple submitters, no conflicts (2 of 4 stars). 2 submissions from 2 submitters: Uncertain significance (2). Last evaluated 2022-12-23.

Conditions:
Hypertrophic cardiomyopathy. Also called: HYPERTROPHIC MYOCARDIOPATHY. Identifiers: Orphanet 217569, MedGen C0007194, MeSH D002312, MONDO:0005045, HP:0001639.
Cardiovascular phenotype. Identifiers: MedGen CN230736.

Allele frequency attached by ClinVar (database versions not stated): TOPMed below 0.00001; gnomAD 0.00001.

Submissions (2):

Ambry Genetics
Classification: Uncertain significance for Cardiovascular phenotype. Last evaluated: 2022-12-23. Review status: criteria provided, single submitter. Criteria: Ambry Variant Classification Scheme 2023. Collection method: clinical testing. Allele origin: germline.
Comment: The p.D11V variant (also known as c.32A>T), located in coding exon 1 of the MYL3 gene, results from an A to T substitution at nucleotide position 32. The aspartic acid at codon 11 is replaced by valine, an amino acid with highly dissimilar properties. This amino acid position is conserved. In addition, this alteration is predicted to be tolerated by in silico analysis. Since supporting evidence is limited at this time, the clinical significance of this alteration remains unclear.

Labcorp Genetics (formerly Invitae), Labcorp
Classification: Uncertain significance for Hypertrophic cardiomyopathy. Last evaluated: 2022-07-06. Review status: criteria provided, single submitter. Criteria: Invitae Variant Classification Sherloc (09022015). Collection method: clinical testing. Allele origin: germline.
Comment: This sequence change replaces aspartic acid, which is acidic and polar, with valine, which is neutral and non-polar, at codon 11 of the MYL3 protein (p.Asp11Val). This variant is not present in population databases (gnomAD no frequency). This variant has not been reported in the literature in individuals affected with MYL3-related conditions. ClinVar contains an entry for this variant (Variation ID: 1015590). Algorithms developed to predict the effect of missense changes on protein structure and function are either unavailable or do not agree on the potential impact of this missense change (SIFT: "Deleterious"; PolyPhen-2: "Not Available"; Align-GVGD: "Class C0"). Algorithms developed to predict the effect of sequence changes on RNA splicing suggest that this variant may create or strengthen a splice site. In summary, the available evidence is currently insufficient to determine the role of this variant in disease. Therefore, it has been classified as a Variant of Uncertain Significance.

NM_000258.3(MYL3):c.32A>T (p.Asp11Val)

Gene: MYL3 (myosin light chain 3; minus strand). Cytogenetic location: 3p21.31.
Variant type: single nucleotide variant.
Coding change: c.32A>T on transcript NM_000258.3 (MANE Select); coding-DNA position 32, A replaced by T.
Protein change: p.Asp11Val; replaces aspartic acid 11 with valine.
Molecular consequence: missense variant.
Genome position (GRCh38, 1-based): chr3:46,863,359, T>A on the plus strand (A>T on the coding strand, the complement: MYL3 is on the minus strand). VCF-style: chr3-46863359-T-A. GRCh37 (hg19) VCF-style: chr3-46904849-T-A.
Other names: c.32A>T (NM_000258.2); short protein forms D11V.
Identifiers: ClinVar variation 1015590 (VCV001015590.7), dbSNP rs1227232995, ClinGen allele CA352499854.
Genomic context (GRCh38, chr3:46,863,359, plus strand): 5'-CGCTCAGGCTCAGGGGGAGGTGCGGGAGCTGGAGCTGCCTTGGGGGCTGCCTTGGCATCA[T>A]CCTTCTTGGGCTCTGGCTTTTTGGGGGCCATTGGGGGCTGTAAGTACAGAGAGGGATGTG-3'
Protein context (NP_000249.1, residues 1-21): MAPKKPEPKK[Asp11Val]DAKAAPKAAP